The following is an entry in ClinVar:

ClinVar aggregate classification (germline): Benign/Likely benign. Review status: criteria provided, multiple submitters, no conflicts (2 of 4 stars). 3 submissions from 3 submitters: Benign (1); Likely benign (1). 1 of the submissions does not count toward it. Last evaluated 2026-09-01.

Conditions:
CACNA1G-related disorder. Also called: CACNA1G-related disorders; CACNA1G-related condition.

Allele frequency attached by ClinVar (database versions not stated): TOPMed 0.00014; ESP Exome Variant Server 0.00016; gnomAD 0.00017; 1000 Genomes Project 0.00020; ExAC 0.00020; 1000 Genomes Project 30x 0.00031.
gnomAD v4.1: 102 of 1,609,202 alleles (0.0063%); highest among the groups gnomAD compares: Admixed American, 0.052%; 1 homozygote.

Submissions (3):

CeGaT Center for Human Genetics Tuebingen
Classification: Likely benign. Last evaluated: 2026-09-01. Review status: criteria provided, single submitter. Criteria: CeGaT Center For Human Genetics Tuebingen Variant Classification Criteria Version 2. Collection method: clinical testing. Allele origin: germline. Affected: yes. Observed: 1 variant allele.
Comment: CACNA1G: BP4, BP7

Labcorp Genetics (formerly Invitae), Labcorp
Classification: Benign. Last evaluated: 2024-11-18. Review status: criteria provided, single submitter. Criteria: Invitae Variant Classification Sherloc (09022015). Collection method: clinical testing. Allele origin: germline.

PreventionGenetics, part of Exact Sciences
Classification: Likely benign for CACNA1G-related condition. Last evaluated: 2019-08-29. Review status: no assertion criteria provided. Collection method: clinical testing. Allele origin: germline. Not counted in ClinVar's aggregate classification.
Comment: This variant is classified as likely benign based on ACMG/AMP sequence variant interpretation guidelines (Richards et al. 2015 PMID: 25741868, with internal and published modifications).

NM_018896.5(CACNA1G):c.1758C>T (p.Ser586=)

Gene: CACNA1G (calcium voltage-gated channel subunit alpha1 G; plus strand). Cytogenetic location: 17q21.33.
Variant type: single nucleotide variant.
Coding change: c.1758C>T on transcript NM_018896.5 (MANE Select); coding-DNA position 1758, C replaced by T.
Protein change: p.Ser586=; no amino-acid change (serine 586 retained).
Molecular consequence: synonymous variant. On other transcripts: non-coding transcript variant (5).
Genome position (GRCh38, 1-based): chr17:50,576,160, C>T. VCF-style: chr17-50576160-C-T. GRCh37 (hg19) VCF-style: chr17-48653521-C-T.
Other names: c.1758C>T (NM_018896.4); c.1758C>T, p.Ser586= (NM_001256324.2, NM_001256325.2, NM_001256326.2 and 24 more transcripts).
Identifiers: ClinVar variation 2175847 (VCV002175847.7), dbSNP rs367721794, ClinGen allele CA8652233.